The following is an entry in ClinVar:

ClinVar aggregate classification (germline): Uncertain significance. Review status: criteria provided, multiple submitters, no conflicts (2 of 4 stars). 3 submissions from 3 submitters: Uncertain significance (3). Last evaluated 2023-02-08.

Conditions:
Inborn genetic diseases. Identifiers: MedGen C0950123, MeSH D030342.

Submissions (3):

GeneDx
Classification: Uncertain significance. Last evaluated: 2023-02-08. Review status: criteria provided, single submitter. Criteria: GeneDx Variant Classification Process June 2021. Collection method: clinical testing. Allele origin: germline. Affected: yes.
Comment: Not observed at significant frequency in large population cohorts (gnomAD); In silico analysis supports that this missense variant has a deleterious effect on protein structure/function; Has not been previously published as pathogenic or benign to our knowledge

Labcorp Genetics (formerly Invitae), Labcorp
Classification: Uncertain significance. Last evaluated: 2022-08-02. Review status: criteria provided, single submitter. Criteria: Invitae Variant Classification Sherloc (09022015). Collection method: clinical testing. Allele origin: germline.
Comment: This sequence change replaces isoleucine, which is neutral and non-polar, with threonine, which is neutral and polar, at codon 215 of the PRPF31 protein (p.Ile215Thr). This variant is not present in population databases (gnomAD no frequency). This variant has not been reported in the literature in individuals affected with PRPF31-related conditions. Algorithms developed to predict the effect of missense changes on protein structure and function (SIFT, PolyPhen-2, Align-GVGD) all suggest that this variant is likely to be disruptive. In summary, the available evidence is currently insufficient to determine the role of this variant in disease. Therefore, it has been classified as a Variant of Uncertain Significance.

Ambry Genetics
Classification: Uncertain significance for Inborn genetic diseases. Last evaluated: 2022-01-27. Review status: criteria provided, single submitter. Criteria: Ambry Variant Classification Scheme 2023. Collection method: clinical testing. Allele origin: germline.

NM_015629.4(PRPF31):c.644T>C (p.Ile215Thr)

Gene: PRPF31 (pre-mRNA processing factor 31; plus strand). Cytogenetic location: 19q13.42.
Variant type: single nucleotide variant.
Coding change: c.644T>C on transcript NM_015629.4 (MANE Select); coding-DNA position 644, T replaced by C.
Protein change: p.Ile215Thr; replaces isoleucine 215 with threonine.
Molecular consequence: missense variant.
Genome position (GRCh38, 1-based): chr19:54,123,865, T>C. VCF-style: chr19-54123865-T-C. GRCh37 (hg19) VCF-style: chr19-54627244-T-C.
Other names: c.644T>C (NM_015629.3); short protein forms I215T.
Identifiers: ClinVar variation 1713889 (VCV001713889.8), dbSNP rs2516144952, ClinGen allele CA407750834.